The following is an entry in ClinVar:

ClinVar aggregate classification (germline): Uncertain significance (1 of 4 stars; one submission).

Conditions:
Autosomal recessive limb-girdle muscular dystrophy type R18 (LGMDR18). Also called: MUSCULAR DYSTROPHY, LIMB-GIRDLE, AUTOSOMAL RECESSIVE 18; Autosomal recessive limb-girdle muscular dystrophy type 2S; Limb-girdle muscular dystrophy, type 2S. Identifiers: Orphanet 369840, MedGen C4517996, MONDO:0014144, OMIM 615356.

Allele frequency attached by ClinVar (database versions not stated): gnomAD exomes below 0.00001; ExAC 0.00001; gnomAD 0.00002; TOPMed 0.00002.
gnomAD v4.1: 7 of 1,612,844 alleles (0.00043%); highest among the groups gnomAD compares: African/African-American, 0.0094%; no homozygotes.

Submission:

Labcorp Genetics (formerly Invitae), Labcorp
Classification: Uncertain significance for Autosomal recessive limb-girdle muscular dystrophy type R18. Last evaluated: 2022-02-18. Review status: criteria provided, single submitter. Criteria: Invitae Variant Classification Sherloc (09022015). Collection method: clinical testing. Allele origin: germline.
Comment: This sequence change replaces isoleucine, which is neutral and non-polar, with valine, which is neutral and non-polar, at codon 292 of the TRAPPC11 protein (p.Ile292Val). This variant is present in population databases (rs749597402, gnomAD 0.008%). This variant has not been reported in the literature in individuals affected with TRAPPC11-related conditions. Algorithms developed to predict the effect of missense changes on protein structure and function are either unavailable or do not agree on the potential impact of this missense change (SIFT: "Deleterious"; PolyPhen-2: "Benign"; Align-GVGD: "Class C25"). In summary, the available evidence is currently insufficient to determine the role of this variant in disease. Therefore, it has been classified as a Variant of Uncertain Significance.

NM_021942.6(TRAPPC11):c.874A>G (p.Ile292Val)

Gene: TRAPPC11 (trafficking protein particle complex subunit 11; plus strand). Cytogenetic location: 4q35.1.
Variant type: single nucleotide variant.
Coding change: c.874A>G on transcript NM_021942.6 (MANE Select); coding-DNA position 874, A replaced by G.
Protein change: p.Ile292Val; replaces isoleucine 292 with valine.
Molecular consequence: missense variant.
Genome position (GRCh38, 1-based): chr4:183,679,395, A>G. VCF-style: chr4-183679395-A-G. GRCh37 (hg19) VCF-style: chr4-184600548-A-G.
Other names: c.874A>G, p.Ile292Val (NM_199053.3); short protein forms I292V.
Identifiers: ClinVar variation 2200360 (VCV002200360.4), dbSNP rs749597402, ClinGen allele CA3151732.